The following is an entry in ClinVar:

ClinVar aggregate classification (germline): Uncertain significance. Review status: criteria provided, multiple submitters, no conflicts (2 of 4 stars). 3 submissions from 3 submitters: Uncertain significance (3). Last evaluated 2025-08-01.

Conditions:
Hereditary spastic paraplegia 11. Also called: Spastic paraplegia, mental retardation and thin corpus callosum; Spastic Paraplegia 11; Nakamura Osame syndrome; Autosomal recessive hereditary spastic paraplegia, mental impairment, and thin corpus callosum; SPASTIC PARAPLEGIA, AUTOSOMAL RECESSIVE, COMPLICATED, WITH THIN CORPUS CALLOSUM; SPASTIC PARAPLEGIA, AUTOSOMAL RECESSIVE, WITH MENTAL IMPAIRMENT AND THIN CORPUS CALLOSUM. Identifiers: Orphanet 2822, MedGen C1858479, MONDO:0011445, OMIM 604360.
Inborn genetic diseases. Identifiers: MedGen C0950123, MeSH D030342.

Allele frequency attached by ClinVar (database versions not stated): TOPMed below 0.00001; gnomAD 0.00001; gnomAD exomes 0.00001 and 0.00002; ExAC 0.00002.

Submissions (3):

CeGaT Center for Human Genetics Tuebingen
Classification: Uncertain significance. Last evaluated: 2025-08-01. Review status: criteria provided, single submitter. Criteria: CeGaT Center For Human Genetics Tuebingen Variant Classification Criteria Version 2. Collection method: clinical testing. Allele origin: germline. Affected: yes. Observed: 1 variant allele.
Comment: SPG11: PM2, BP4

Ambry Genetics
Classification: Uncertain significance for Inborn genetic diseases. Last evaluated: 2023-10-30. Review status: criteria provided, single submitter. Criteria: Ambry Variant Classification Scheme 2023. Collection method: clinical testing. Allele origin: germline.

Labcorp Genetics (formerly Invitae), Labcorp
Classification: Uncertain significance for Hereditary spastic paraplegia 11. Last evaluated: 2022-03-04. Review status: criteria provided, single submitter. Criteria: Invitae Variant Classification Sherloc (09022015). Collection method: clinical testing. Allele origin: germline.
Comment: This sequence change replaces lysine, which is basic and polar, with arginine, which is basic and polar, at codon 676 of the SPG11 protein (p.Lys676Arg). This variant is present in population databases (rs771884916, gnomAD 0.006%). This variant has not been reported in the literature in individuals affected with SPG11-related conditions. Algorithms developed to predict the effect of missense changes on protein structure and function output the following: SIFT: "Tolerated"; PolyPhen-2: "Benign"; Align-GVGD: "Class C0". The arginine amino acid residue is found in multiple mammalian species, which suggests that this missense change does not adversely affect protein function. Algorithms developed to predict the effect of sequence changes on RNA splicing suggest that this variant may create or strengthen a splice site. In summary, the available evidence is currently insufficient to determine the role of this variant in disease. Therefore, it has been classified as a Variant of Uncertain Significance.

NM_025137.4(SPG11):c.2027A>G (p.Lys676Arg)

Gene: SPG11 (SPG11 vesicle trafficking associated, spatacsin; minus strand). Cytogenetic location: 15q21.1.
Variant type: single nucleotide variant.
Coding change: c.2027A>G on transcript NM_025137.4 (MANE Select); coding-DNA position 2027, A replaced by G.
Protein change: p.Lys676Arg; replaces lysine 676 with arginine.
Molecular consequence: missense variant.
Genome position (GRCh38, 1-based): chr15:44,628,709, T>C on the plus strand (A>G on the coding strand, the complement: SPG11 is on the minus strand). VCF-style: chr15-44628709-T-C. GRCh37 (hg19) VCF-style: chr15-44920907-T-C.
Other names: c.2027A>G, p.Lys676Arg (NM_001160227.2); short protein forms K676R.
Identifiers: ClinVar variation 1427236 (VCV001427236.13), dbSNP rs771884916, ClinGen allele CA7535368.
Genomic context (GRCh38, chr15:44,628,709, plus strand): 5'-TGATGATTATTCGTACTTACCTCAAAGCTGAGTTTCTTCCATATATTGCTCTCCTTTACT[T>C]TGGGGACATTTTCATGTACATCATATTCATCTATAGCATCTGTTAGCTTCCAAGGAAACT-3'
Protein context (NP_079413.3, residues 666-686): DEYDVHENVP[Lys676Arg]VKESNIWKKL